The following is an entry in ClinVar:

ClinVar aggregate classification (germline): Pathogenic. Review status: criteria provided, multiple submitters, no conflicts (2 of 4 stars). 3 submissions from 3 submitters: Pathogenic (3). Last evaluated 2026-03-11.

Conditions:
Neurodevelopmental disorder with language impairment, autism, and attention deficit-hyperactivity disorder. Identifiers: MedGen C5935603, MONDO:0968945, OMIM 620782.

Submissions (3):

Ambry Genetics
Classification: Pathogenic. Last evaluated: 2026-03-11. Review status: criteria provided, single submitter. Criteria: Ambry Variant Classification Scheme 2023. Collection method: clinical testing. Allele origin: germline.
Comment: The c.1372C>T (p.R458*) alteration, located in exon 13 (coding exon 12) of the CAPRIN1 gene, consists of a C to T substitution at nucleotide position 1372. This changes the amino acid from an arginine (R) to a stop codon at amino acid position 458. This variant is expected to result in loss of function by premature protein truncation or nonsense-mediated mRNA decay. This variant was not reported in population-based cohorts in the Genome Aggregation Database (gnomAD). This variant was reported in individual(s) with features consistent with CAPRIN1-related neurodevelopmental disorder (Pavinato, 2023). Based on the available evidence, this alteration is classified as pathogenic.

3billion
Classification: Pathogenic for Neurodevelopmental disorder with language impairment, autism, and attention deficit-hyperactivity disorder. Last evaluated: 2025-11-20. Review status: criteria provided, single submitter. Criteria: ACMG Guidelines, 2015. Collection method: clinical testing. Allele origin: germline. Affected: yes.
Comment: The variant is not observed in the gnomAD v4.1.0 dataset. Predicted Consequence/Location: Stop-gained (nonsense): predicted to result in a loss or disruption of normal protein function through nonsense-mediated decay (NMD) or protein truncation. Multiple pathogenic variants are reported downstream of the variant. The variant has been reported to be associated with CAPRIN1-related disorder (PMID: 35979925). Therefore, this variant is classified as Pathogenic according to the recommendation of ACMG/AMP guideline.

GeneDx
Classification: Pathogenic. Last evaluated: 2025-07-09. Review status: criteria provided, single submitter. Criteria: GeneDx Variant Classification Process June 2021. Collection method: clinical testing. Allele origin: germline. Affected: yes.
Comment: Not observed at significant frequency in large population cohorts (gnomAD); Nonsense variant predicted to result in protein truncation or nonsense mediated decay in a gene for which loss of function is a known mechanism of disease; This variant is associated with the following publications: (PMID: 35979925, 36368308)

Literature cited by the submitters: PubMed 35979925 (cited by Ambry Genetics and 3billion).

NM_005898.5(CAPRIN1):c.1372C>T (p.Arg458Ter)

Gene: CAPRIN1 (cell cycle associated protein 1; plus strand). Cytogenetic location: 11p13.
Variant type: single nucleotide variant.
Coding change: c.1372C>T on transcript NM_005898.5 (MANE Select); coding-DNA position 1372, C replaced by T.
Protein change: p.Arg458Ter; replaces arginine 458 with a stop codon.
Molecular consequence: nonsense.
Genome position (GRCh38, 1-based): chr11:34,090,257, C>T. VCF-style: chr11-34090257-C-T. GRCh37 (hg19) VCF-style: chr11-34111804-C-T.
Other names: c.1372C>T, p.Arg458Ter (NM_203364.3); short protein forms R458*.
Identifiers: ClinVar variation 4685117 (VCV004685117.3).